The following is an entry in ClinVar:

NM_018082.6(POLR3B):c.308G>A (p.Arg103His)

Gene: POLR3B (RNA polymerase III subunit B; plus strand). Cytogenetic location: 12q23.3.
Variant type: single nucleotide variant.
Coding change: c.308G>A on transcript NM_018082.6 (MANE Select); coding-DNA position 308, G replaced by A.
Protein change: p.Arg103His; replaces arginine 103 with histidine.
Molecular consequence: missense variant.
Genome position (GRCh38, 1-based): chr12:106,369,587, G>A. VCF-style: chr12-106369587-G-A. GRCh37 (hg19) VCF-style: chr12-106763365-G-A.
Other names: NM_018082.6(POLR3B):c.308G>A; p.Arg103His; c.134G>A, p.Arg45His (NM_001160708.2); short protein forms R103H, R45H.
Identifiers: ClinVar variation 1184079 (VCV001184079.10), dbSNP rs780148992, ClinGen allele CA243183226.

ClinVar aggregate classification (germline): Conflicting classifications of pathogenicity. Review status: criteria provided, conflicting classifications (1 of 4 stars). 6 submissions from 6 submitters: Likely pathogenic (3); Uncertain significance (2). 1 of the submissions does not count toward it. Last evaluated 2025-10-27.

Conditions:
Leukodystrophy, hypomyelinating, 8, with or without oligodontia and/or hypogonadotropic hypogonadism. Also called: LEUKODYSTROPHY, HYPOMYELINATING, 8, WITH HYPODONTIA AND HYPOGONADOTROPIC HYPOGONADISM; Hypomyelinating leukodystrophy 8 with or without oligodontia and-or hypogonadotropic hypogonadism; Endosteal sclerosis-cerebellar hypoplasia syndrome. Identifiers: Orphanet 85186, Orphanet 88637, MedGen C3280644, MONDO:0013722, OMIM 614381.

Allele frequency attached by ClinVar (database versions not stated): gnomAD 0.00001; TOPMed 0.00001.
gnomAD v4.1: 25 of 1,605,270 alleles (0.0016%); highest among the groups gnomAD compares: East Asian, 0.011%; no homozygotes.

Submissions (6):

Victorian Clinical Genetics Services, Murdoch Childrens Research Institute
Classification: Likely pathogenic for Leukodystrophy, hypomyelinating, 8, with or without oligodontia and/or hypogonadotropic hypogonadism. Last evaluated: 2025-10-27. Review status: criteria provided, single submitter. Criteria: ACMG Guidelines, 2015. Collection method: clinical testing. Allele origin: germline. Affected: no.
Comment: This variant is classified as Likely pathogenic. Evidence in support of pathogenic classification: Variant is present in gnomAD <0.01 (v4: 25 heterozygote(s), 0 homozygote(s)). - This variant has limited previous evidence of pathogenicity in unrelated individual(s). This variant has been classified as both likely pathogenic and VUS by clinical laboratories in ClinVar; This variant has moderate functional evidence supporting abnormal protein function. Expression of this variant in HEK293 cells significantly impedes the assembly or stability of the Pol III complex, homozygosity for this variant in mice was embryonically lethal similar in nature to homozygous null mice (PMIDs: 31221184, 36451185). - Missense variant predicted to be damaging by in silico tool(s) or highly conserved with a major amino acid change. Additional information: Variant is predicted to result in a missense amino acid change from Arg to His; This gene is associated with both recessive and dominant disease. Leukodystrophy, hypomyelinating, 8, with or without oligodontia and/or hypogonadotropic hypogonadism has biallelic inheritance and Charcot-Marie-Tooth disease, demyelinating, type 1I has monoallelic inheritance (OMIM); Alternative amino acid change(s) at the same position are present in gnomAD (Highest allele count: v4: 15 heterozygote(s), 0 homozygote(s). - No published evidence of segregation with disease has been identified for this variant; Another missense variant(s) comparable to the one identified in this case has inconclusive previous evidence for pathogenicity. p.(Arg103Cys) has been classified as a VUS by a clinical laboratory in ClinVar; Variant is located in the annotated RNA polymerase beta subunit domain (DECIPHER); Loss of function is a known mechanism of disease in this gene and is associated with leukodystrophy, hypomyelinating, 8, with or without oligodontia and/or hypogonadotropic hypogonadism (MIM#614381). Dominant negative is a suspected mechanism of disease for this gene and is associated with Charcot-Marie-Tooth disease, demyelinating, type 1I (MIM#619742) (PMID: 33417887); Variants in this gene are known to have variable expressivity (OMIM).

Labcorp Genetics (formerly Invitae), Labcorp
Classification: Uncertain significance. Last evaluated: 2025-05-09. Review status: criteria provided, single submitter. Criteria: Invitae Variant Classification Sherloc (09022015). Collection method: clinical testing. Allele origin: germline.
Comment: This sequence change replaces arginine, which is basic and polar, with histidine, which is basic and polar, at codon 103 of the POLR3B protein (p.Arg103His). This variant is present in population databases (no rsID available, gnomAD 0.006%). This missense change has been observed in individual(s) with leukodystrophy (PMID: 25339210). ClinVar contains an entry for this variant (Variation ID: 1184079). Invitae Evidence Modeling of protein sequence and biophysical properties (such as structural, functional, and spatial information, amino acid conservation, physicochemical variation, residue mobility, and thermodynamic stability) indicates that this missense variant is expected to disrupt POLR3B protein function with a positive predictive value of 80%. Experimental studies have shown that this missense change affects POLR3B function (PMID: 31221184). In summary, the available evidence is currently insufficient to determine the role of this variant in disease. Therefore, it has been classified as a Variant of Uncertain Significance.

GeneDx
Classification: Likely pathogenic. Last evaluated: 2024-12-06. Review status: criteria provided, single submitter. Criteria: GeneDx Variant Classification Process June 2021. Collection method: clinical testing. Allele origin: germline. Affected: yes.
Comment: Published functional studies demonstrate a damaging effect (PMID: 31221184); In silico analysis supports that this missense variant has a deleterious effect on protein structure/function; This variant is associated with the following publications: (PMID: 34426522, 32611613, 32597037, 39062571, 35436926, 34395528, 34502334, 31695177, 35395209, 36451185, 31221184, 25339210)

Revvity Omics, Revvity
Classification: Uncertain significance. Last evaluated: 2022-11-17. Review status: criteria provided, single submitter. Criteria: ACMG Guidelines, 2015. Collection method: clinical testing. Allele origin: germline.

Broad Center for Mendelian Genomics, Broad Institute of MIT and Harvard
Classification: Likely pathogenic for Leukodystrophy, hypomyelinating, 8, with or without oligodontia and/or hypogonadotropic hypogonadism. Last evaluated: 2022-02-24. Review status: criteria provided, single submitter. Criteria: ACMG Guidelines, 2015. Collection method: curation. Allele origin: germline. Inheritance: Autosomal recessive inheritance.
Comment: The p.Arg103His variant in POLR3B has been reported in 1 individual in the compound heterozygous state with 4H leukodystrophy (PMID: 25339210), and has been identified in 0.005% (1/18394) of East Asian chromosomes by the Genome Aggregation Database (gnomAD; dbSNP ID: rs780148992). Although this variant has been seen in the general population in a heterozygous state, its frequency is low enough to be consistent with a recessive carrier frequency. This variant has also been reported in ClinVar (Variation ID#: 1184079) and has been interpreted as pathogenic by GeneReviews. In vitro functional studies provide some evidence that the p.Arg103His variant may impact protein function (PMID: 31221184). However, these types of assays may not accurately represent biological function. Furthermore, this variant has been described as embryonic lethal in mice after numerous rounds of mating did not result in any homozygotes at embryonic day 9.5 (PMID: 31221184). Computational prediction tools and conservation analyses suggest that this variant may impact the protein, though this information is not predictive enough to determine pathogenicity. The number of missense variants reported in POLR3B in the general population is lower than expected, suggesting there is little benign variation in this gene and slightly increasing the possibility that a missense variant in this gene may not be tolerated. In summary, although additional studies are required to fully establish its clinical significance, this variant is likely pathogenic for autosomal recessive 4H leukodystrophy. ACMG/AMP Criteria applied: PP3, PS3_moderate, PP2, PM2_supporting, PM3_supporting (Richards 2015).

GeneReviews
No classification provided. Condition: Leukodystrophy, hypomyelinating, 8, with or without oligodontia and/or hypogonadotropic hypogonadism. Review status: no classification provided. Collection method: literature only. Allele origin: germline. Not counted in ClinVar's aggregate classification.

Literature cited by the submitters: PubMed 31221184 (cited by 3 submitters); PubMed 36451185 (cited by Victorian Clinical Genetics Services, Murdoch Childrens Research Institute); PubMed 33417887 (cited by Victorian Clinical Genetics Services, Murdoch Childrens Research Institute); PubMed 25339210 (cited by Labcorp Genetics (formerly Invitae), Labcorp and GeneReviews); PubMed 22855961 (cited by GeneReviews).